The following is an entry in ClinVar:

NM_014918.5(CHSY1):c.278C>G (p.Thr93Ser)

Genes: CHSY1 (chondroitin sulfate synthase 1; minus strand), LOC130058068 (ATAC-STARR-seq lymphoblastoid silent region 6885; plus strand). Cytogenetic location: 15q26.3.
Variant type: single nucleotide variant.
Coding change: c.278C>G on transcript NM_014918.5 (MANE Select); coding-DNA position 278, C replaced by G.
Protein change: p.Thr93Ser; replaces threonine 93 with serine.
Molecular consequence: missense variant.
Genome position (GRCh38, 1-based): chr15:101,251,179, G>C on the plus strand (C>G on the coding strand, the complement: CHSY1 is on the minus strand). VCF-style: chr15-101251179-G-C. GRCh37 (hg19) VCF-style: chr15-101791384-G-C.
Other names: short protein forms T93S.
Identifiers: ClinVar variation 2070967 (VCV002070967.6), dbSNP rs142148989, ClinGen allele CA7762784.
Genomic context (GRCh38, chr15:101,251,179, plus strand): 5'-CGGGGAGCAGGGGCTCACCTGTAGGCGGCCACGGCCCGAGTCTGCAGGTATTTCTGGGCG[G>C]TCATGACTCCCACGAAGAGAAAGTTCCTGTCGCGCGGGCCGCCATCTGGGTCCGAGCCGG-3'
Protein context (NP_055733.2, residues 83-103): DRNFLFVGVM[Thr93Ser]AQKYLQTRAV

ClinVar aggregate classification (germline): Uncertain significance. Review status: criteria provided, multiple submitters, no conflicts (2 of 4 stars). 3 submissions from 3 submitters: Uncertain significance (3). Last evaluated 2024-11-04.

Conditions:
Inborn genetic diseases. Identifiers: MedGen C0950123, MeSH D030342.
Temtamy preaxial brachydactyly syndrome (TPBS). Identifiers: Orphanet 363417, MedGen C1854466, MONDO:0011533, OMIM 605282.

Allele frequency attached by ClinVar (database versions not stated): ExAC 0.00018; TOPMed 0.00030; ESP Exome Variant Server 0.00031; gnomAD 0.00036.

Submissions (3):

Blueprint Genetics
Classification: Uncertain significance. Last evaluated: 2024-11-04. Review status: criteria provided, single submitter. Criteria: ACMG Guidelines, 2015. Collection method: clinical testing. Allele origin: germline.

Ambry Genetics
Classification: Uncertain significance for Inborn genetic diseases. Last evaluated: 2023-12-28. Review status: criteria provided, single submitter. Criteria: Ambry Variant Classification Scheme 2023. Collection method: clinical testing. Allele origin: germline.

Labcorp Genetics (formerly Invitae), Labcorp
Classification: Uncertain significance for Temtamy preaxial brachydactyly syndrome. Last evaluated: 2023-04-10. Review status: criteria provided, single submitter. Criteria: Invitae Variant Classification Sherloc (09022015). Collection method: clinical testing. Allele origin: germline.
Comment: This variant has not been reported in the literature in individuals affected with CHSY1-related conditions. In summary, the available evidence is currently insufficient to determine the role of this variant in disease. Therefore, it has been classified as a Variant of Uncertain Significance. Advanced modeling of protein sequence and biophysical properties (such as structural, functional, and spatial information, amino acid conservation, physicochemical variation, residue mobility, and thermodynamic stability) performed at Invitae indicates that this missense variant is not expected to disrupt CHSY1 protein function. ClinVar contains an entry for this variant (Variation ID: 2070967). This variant is present in population databases (rs142148989, gnomAD 0.05%). This sequence change replaces threonine, which is neutral and polar, with serine, which is neutral and polar, at codon 93 of the CHSY1 protein (p.Thr93Ser).